The following is an entry in ClinVar:

NM_000179.3(MSH6):c.1224T>G (p.Pro408=)

Gene: MSH6 (mutS homolog 6; plus strand). Cytogenetic location: 2p16.3.
Variant type: single nucleotide variant.
Coding change: c.1224T>G on transcript NM_000179.3 (MANE Select); coding-DNA position 1224, T replaced by G.
Protein change: p.Pro408=; no amino-acid change (proline 408 retained).
Molecular consequence: synonymous variant.
Genome position (GRCh38, 1-based): chr2:47,799,207, T>G. VCF-style: chr2-47799207-T-G. GRCh37 (hg19) VCF-style: chr2-48026346-T-G.
Other names: c.834T>G, p.Pro278= (NM_001281492.2); c.318T>G, p.Pro106= (NM_001281493.2, NM_001281494.2).
Identifiers: ClinVar variation 187573 (VCV000187573.15), dbSNP rs786203834, ClinGen allele CA008335.
Genomic context (GRCh38, chr2:47,799,207, plus strand): 5'-CCCCGATTTTGATGCATCTACACTCTATGTGCCTGAGGATTTCCTCAATTCTTGTACTCC[T>G]GGGATGAGGAAGTGGTGGCAGATTAAGTCTCAGAACTTTGATCTTGTCATCTGTTACAAG-3'
Protein context (NP_000170.1, residues 398-418): VPEDFLNSCT[Pro408=]GMRKWWQIKS

ClinVar aggregate classification (germline): Benign/Likely benign. Review status: criteria provided, multiple submitters, no conflicts (2 of 4 stars). 3 submissions from 3 submitters: Benign (1); Likely benign (2). Last evaluated 2025-11-17.

Conditions:
Hereditary nonpolyposis colorectal neoplasms. Identifiers: MedGen C0009405, MeSH D003123.
Hereditary cancer-predisposing syndrome. Also called: Neoplastic Syndromes, Hereditary; Tumor predisposition; Hereditary Cancer Syndrome; Hereditary neoplastic syndrome. Identifiers: Orphanet 140162, MedGen C0027672, MeSH D009386, MONDO:0015356.
Lynch syndrome 5 (LYNCH5). Also called: Colorectal cancer, hereditary nonpolyposis, type 5; Hereditary non-polyposis colorectal cancer, type 5. Identifiers: Orphanet 144, MedGen C1833477, MONDO:0013710, OMIM 614350. Disease mechanism: loss of function.

Submissions (3):

Labcorp Genetics (formerly Invitae), Labcorp
Classification: Likely benign for Hereditary nonpolyposis colorectal neoplasms. Last evaluated: 2025-11-17. Review status: criteria provided, single submitter. Criteria: Invitae Variant Classification Sherloc (09022015). Collection method: clinical testing. Allele origin: germline.

Myriad Genetics, Inc.
Classification: Benign for Lynch syndrome 5. Last evaluated: 2024-12-23. Review status: criteria provided, single submitter. Criteria: Myriad Autosomal Dominant, Autosomal Recessive and X-Linked Classification Criteria (2023). Collection method: clinical testing. Allele origin: unknown.
Comment: This variant is considered benign. This variant is a silent/synonymous amino acid change and it is not expected to impact splicing.

Ambry Genetics
Classification: Likely benign for Hereditary cancer-predisposing syndrome. Last evaluated: 2014-12-11. Review status: criteria provided, single submitter. Criteria: Ambry Variant Classification Scheme 2023. Collection method: clinical testing. Allele origin: germline.